The following is an entry in ClinVar:

NM_018489.3(ASH1L):c.983T>C (p.Ile328Thr)

Gene: ASH1L (ASH1 like histone lysine methyltransferase; minus strand). Cytogenetic location: 1q22.
Variant type: single nucleotide variant.
Coding change: c.983T>C on transcript NM_018489.3 (MANE Select); coding-DNA position 983, T replaced by C.
Protein change: p.Ile328Thr; replaces isoleucine 328 with threonine.
Molecular consequence: missense variant.
Genome position (GRCh38, 1-based): chr1:155,481,887, A>G on the plus strand (T>C on the coding strand, the complement: ASH1L is on the minus strand). VCF-style: chr1-155481887-A-G. GRCh37 (hg19) VCF-style: chr1-155451678-A-G.
Other names: c.983T>C, p.Ile328Thr (NM_001366177.2); short protein forms I328T.
Identifiers: ClinVar variation 4055908 (VCV004055908.1).

ClinVar aggregate classification (germline): Uncertain significance (1 of 4 stars; one submission).

Submission:

GeneDx
Classification: Uncertain significance. Last evaluated: 2025-01-05. Review status: criteria provided, single submitter. Criteria: GeneDx Variant Classification Process June 2021. Collection method: clinical testing. Allele origin: germline. Affected: yes.
Comment: Not observed at significant frequency in large population cohorts (gnomAD); In silico analysis indicates that this missense variant does not alter protein structure/function; Has not been previously published as pathogenic or benign to our knowledge